The following is an entry in ClinVar:

ClinVar aggregate classification (germline): Uncertain significance. Review status: criteria provided, multiple submitters, no conflicts (2 of 4 stars). 2 submissions from 2 submitters: Uncertain significance (2). Last evaluated 2022-06-24.

gnomAD v4.1: 3 of 1,614,060 alleles (0.00019%); highest among the groups gnomAD compares: Middle Eastern, 0.033%; 1 homozygote.

Submissions (2):

Blueprint Genetics
Classification: Uncertain significance. Last evaluated: 2022-06-24. Review status: criteria provided, single submitter. Criteria: ACMG Guidelines, 2015. Collection method: clinical testing. Allele origin: germline.

Labcorp Genetics (formerly Invitae), Labcorp
Classification: Uncertain significance. Last evaluated: 2021-06-05. Review status: criteria provided, single submitter. Criteria: Invitae Variant Classification Sherloc (09022015). Collection method: clinical testing. Allele origin: germline.
Comment: This sequence change replaces threonine with isoleucine at codon 542 of the SLC24A1 protein (p.Thr542Ile). The threonine residue is moderately conserved and there is a moderate physicochemical difference between threonine and isoleucine. This variant is not present in population databases (ExAC no frequency). This variant has not been reported in the literature in individuals with SLC24A1-related conditions. Algorithms developed to predict the effect of missense changes on protein structure and function are either unavailable or do not agree on the potential impact of this missense change (SIFT: "Tolerated"; PolyPhen-2: "Probably Damaging"; Align-GVGD: "Class C0"). In summary, the available evidence is currently insufficient to determine the role of this variant in disease. Therefore, it has been classified as a Variant of Uncertain Significance.

NM_004727.3(SLC24A1):c.1625C>T (p.Thr542Ile)

Gene: SLC24A1 (solute carrier family 24 member 1; plus strand). Cytogenetic location: 15q22.31.
Variant type: single nucleotide variant.
Coding change: c.1625C>T on transcript NM_004727.3 (MANE Select); coding-DNA position 1625, C replaced by T.
Protein change: p.Thr542Ile; replaces threonine 542 with isoleucine.
Molecular consequence: missense variant.
Genome position (GRCh38, 1-based): chr15:65,625,705, C>T. VCF-style: chr15-65625705-C-T. GRCh37 (hg19) VCF-style: chr15-65918043-C-T.
Other names: c.1625C>T, p.Thr542Ile (NM_001301031.1, NM_001301032.1, NM_001301033.2); short protein forms T542I.
Identifiers: ClinVar variation 1398340 (VCV001398340.9), dbSNP rs779095435, ClinGen allele CA392918117.
Genomic context (GRCh38, chr15:65,625,705, plus strand): 5'-ACGTGGGCATTGGTACCATTGTGGGCTCTGCTGTGTTCAACATTCTCTTTGTCATTGGCA[C>T]TTGTTCCCTCTTCTCCCGAGAGATCCTCAACCTCACCTGGTGGCCCTTATTCCGTGATGT-3'
Protein context (NP_004718.1, residues 532-552): AVFNILFVIG[Thr542Ile]CSLFSREILN